The following is an entry in ClinVar:

NM_015999.6(ADIPOR1):c.314A>G (p.Lys105Arg)

Gene: ADIPOR1 (adiponectin receptor 1; minus strand). Cytogenetic location: 1q32.1.
Variant type: single nucleotide variant.
Coding change: c.314A>G on transcript NM_015999.6 (MANE Select); coding-DNA position 314, A replaced by G.
Protein change: p.Lys105Arg; replaces lysine 105 with arginine.
Molecular consequence: missense variant.
Genome position (GRCh38, 1-based): chr1:202,946,555, T>C on the plus strand (A>G on the coding strand, the complement: ADIPOR1 is on the minus strand). VCF-style: chr1-202946555-T-C. GRCh37 (hg19) VCF-style: chr1-202915683-T-C.
Other names: c.314A>G, p.Lys105Arg (NM_001290553.2, NM_001290557.1, NM_001290629.1); short protein forms K105R.
Identifiers: ClinVar variation 1466204 (VCV001466204.6), dbSNP rs2102485888, ClinGen allele CA344282378.

ClinVar aggregate classification (germline): Uncertain significance (1 of 4 stars; one submission).

Submission:

Labcorp Genetics (formerly Invitae), Labcorp
Classification: Uncertain significance. Last evaluated: 2023-08-30. Review status: criteria provided, single submitter. Criteria: Invitae Variant Classification Sherloc (09022015). Collection method: clinical testing. Allele origin: germline.
Comment: This sequence change replaces lysine, which is basic and polar, with arginine, which is basic and polar, at codon 105 of the ADIPOR1 protein (p.Lys105Arg). This variant is not present in population databases (gnomAD no frequency). This variant has not been reported in the literature in individuals affected with ADIPOR1-related conditions. ClinVar contains an entry for this variant (Variation ID: 1466204). An algorithm developed to predict the effect of missense changes on protein structure and function (PolyPhen-2) suggests that this variant is likely to be tolerated. In summary, the available evidence is currently insufficient to determine the role of this variant in disease. Therefore, it has been classified as a Variant of Uncertain Significance.